The following is an entry in ClinVar:

ClinVar aggregate classification (germline): Uncertain significance (1 of 4 stars; one submission).

Conditions:
Severe combined immunodeficiency due to DCLRE1C deficiency (RS-SCID). Also called: SCID, AUTOSOMAL RECESSIVE, T CELL-NEGATIVE, B CELL-NEGATIVE, NK CELL-POSITIVE, WITH SENSITIVITY TO IONIZING RADIATION. Identifiers: Orphanet 275, MedGen C1865371, MONDO:0011225, OMIM 602450.

Submission:

Labcorp Genetics (formerly Invitae), Labcorp
Classification: Uncertain significance for Athabaskan severe combined immunodeficiency. Last evaluated: 2021-08-14. Review status: criteria provided, single submitter. Criteria: Invitae Variant Classification Sherloc (09022015). Collection method: clinical testing. Allele origin: germline.
Comment: This sequence change replaces isoleucine with methionine at codon 465 of the DCLRE1C protein (p.Ile465Met). The isoleucine residue is weakly conserved and there is a small physicochemical difference between isoleucine and methionine. This variant is not present in population databases (ExAC no frequency). This variant has not been reported in the literature in individuals affected with DCLRE1C-related conditions. Algorithms developed to predict the effect of missense changes on protein structure and function (SIFT, PolyPhen-2, Align-GVGD) all suggest that this variant is likely to be tolerated. In summary, the available evidence is currently insufficient to determine the role of this variant in disease. Therefore, it has been classified as a Variant of Uncertain Significance.

NM_001033855.3(DCLRE1C):c.1395C>G (p.Ile465Met)

Gene: DCLRE1C (DNA cross-link repair 1C; minus strand). Cytogenetic location: 10p13.
Variant type: single nucleotide variant.
Coding change: c.1395C>G on transcript NM_001033855.3 (MANE Select); coding-DNA position 1395, C replaced by G.
Protein change: p.Ile465Met; replaces isoleucine 465 with methionine.
Molecular consequence: missense variant. On other transcripts: non-coding transcript variant (4).
Genome position (GRCh38, 1-based): chr10:14,909,092, G>C on the plus strand (C>G on the coding strand, the complement: DCLRE1C is on the minus strand). VCF-style: chr10-14909092-G-C. GRCh37 (hg19) VCF-style: chr10-14951091-G-C.
Other names: c.1035C>G, p.Ile345Met (NM_001033857.3, NM_001033858.3, NM_001289077.2 and 2 more transcripts); c.1050C>G, p.Ile350Met (NM_001289076.2, NM_001289078.2, NM_001350966.2 and 1 more transcripts); c.1395C>G, p.Ile465Met (NM_001350965.2); short protein forms I345M, I350M, I465M.
Identifiers: ClinVar variation 1480890 (VCV001480890.5), dbSNP rs2131777299, ClinGen allele CA376075680.